The following is an entry in ClinVar:

NM_000257.4(MYH7):c.4014del (p.His1338fs)

Gene: MYH7 (myosin heavy chain 7; minus strand). Cytogenetic location: 14q11.2.
Variant type: Deletion.
Coding change: c.4014del on transcript NM_000257.4 (MANE Select); coding-DNA position 4014, one base deleted (T; older notation c.4014delT).
Protein change: p.His1338fs; shifts the reading frame from histidine 1338.
Molecular consequence: frameshift variant.
Genome position (GRCh38, 1-based): chr14:23,418,365, A deleted on the plus strand (T on the coding strand, the reverse complement: MYH7 is on the minus strand). VCF-style (leftmost placement, unchanged base first): chr14-23418364-CA-C. GRCh37 (hg19) VCF-style: chr14-23887573-CA-C.
Other names: c.4014delT, p.His1338Glnfs (NM_001407004.1); short protein forms H1338fs.
Identifiers: ClinVar variation 2022758 (VCV002022758.4), dbSNP rs2502256781, ClinGen allele CA2580088017.

ClinVar aggregate classification (germline): Uncertain significance (1 of 4 stars; one submission).

Conditions:
Hypertrophic cardiomyopathy. Also called: HYPERTROPHIC MYOCARDIOPATHY. Identifiers: Orphanet 217569, MedGen C0007194, MeSH D002312, MONDO:0005045, HP:0001639.

Submission:

Labcorp Genetics (formerly Invitae), Labcorp
Classification: Uncertain significance for Hypertrophic cardiomyopathy. Last evaluated: 2022-08-08. Review status: criteria provided, single submitter. Criteria: Invitae Variant Classification Sherloc (09022015). Collection method: clinical testing. Allele origin: germline.
Comment: In summary, the available evidence is currently insufficient to determine the role of this variant in disease. Therefore, it has been classified as a Variant of Uncertain Significance. This variant has not been reported in the literature in individuals affected with MYH7-related conditions. This variant is not present in population databases (gnomAD no frequency). This sequence change creates a premature translational stop signal (p.His1338Glnfs*91) in the MYH7 gene. It is expected to result in an absent or disrupted protein product. However, the current clinical and genetic evidence is not sufficient to establish whether loss-of-function variants in MYH7 cause disease.